The following is an entry in ClinVar:

NM_001349253.2(SCN11A):c.4143_4148del (p.Ile1381_Ser1382del)

Gene: SCN11A (sodium voltage-gated channel alpha subunit 11; minus strand). Cytogenetic location: 3p22.2.
Variant type: Deletion.
Coding change: c.4143_4148del on transcript NM_001349253.2 (MANE Select); coding-DNA positions 4143 to 4148, 6 bases deleted (TAGCAT; older notation c.4143_4148delTAGCAT).
Protein change: p.Ile1381_Ser1382del.
Molecular consequence: inframe deletion.
Genome position (GRCh38, 1-based): chr3:38,850,660-38,850,665, ATGCTA deleted on the plus strand (TAGCAT on the coding strand, the reverse complement: SCN11A is on the minus strand); deleting any 6 consecutive bases within chr3:38,850,660-38,850,667 gives the same sequence; the c. name uses the placement nearest the transcript's 3' end. VCF-style (leftmost placement, unchanged base first): chr3-38850659-CATGCTA-C. GRCh37 (hg19) VCF-style: chr3-38892150-CATGCTA-C.
Other names: c.4143_4148del, p.Ile1381_Ser1382del (NM_014139.3).
Identifiers: ClinVar variation 1738178 (VCV001738178.2), dbSNP rs973636502, ClinGen allele CA72961712.

ClinVar aggregate classification (germline): Uncertain significance (1 of 4 stars; one submission).

Conditions:
Inborn genetic diseases. Identifiers: MedGen C0950123, MeSH D030342.

Submission:

Ambry Genetics
Classification: Uncertain significance for Inborn genetic diseases. Last evaluated: 2020-03-24. Review status: criteria provided, single submitter. Criteria: Ambry Variant Classification Scheme 2023. Collection method: clinical testing. Allele origin: germline.
Comment: The c.4143_4148delTAGCAT variant (also known as p.I1381_S1382del) is located in coding exon 25 of the SCN11A gene. This variant results from an in-frame deletion of 6 nucleotides from positions 4143 to 4148. This results in the in-frame deletion of isoleucine and serine residues at codons 1381 and 1382, respectively. These amino acid positions are poorly conserved in available vertebrate species. In addition, this alteration is predicted to be deleterious by in silico analysis (Choi Y et al. PLoS ONE. 2012; 7(10):e46688). Since supporting evidence is limited at this time, the clinical significance of this alteration remains unclear.